The following is an entry in ClinVar:

ClinVar aggregate classification (germline): Uncertain significance (1 of 4 stars; one submission).

Submission:

Women's Health and Genetics/Laboratory Corporation of America, LabCorp
Classification: Uncertain significance. Last evaluated: 2025-02-14. Review status: criteria provided, single submitter. Criteria: LabCorp Variant Classification Summary - May 2015. Collection method: clinical testing. Allele origin: germline.
Comment: Variant summary: NAA10 c.-17C>G is located in the untranslated mRNA region upstream of the initiation codon. The frequency data for this variant in gnomAD is considered unreliable, as metrics indicate poor data quality at this position. To our knowledge, no occurrence of c.-17C>G in individuals affected with NAA10-Related Disorders and no experimental evidence demonstrating its impact on protein function have been reported. No submitters have cited clinical-significance assessments for this variant to ClinVar. Based on the evidence outlined above, the variant was classified as uncertain significance.

NM_003491.4(NAA10):c.-17C>G

Genes: NAA10 (N-alpha-acetyltransferase 10, NatA catalytic subunit; minus strand), LOC130068840 (ATAC-STARR-seq lymphoblastoid silent region 21075; plus strand). Cytogenetic location: Xq28.
Variant type: single nucleotide variant.
Coding change: c.-17C>G on transcript NM_003491.4 (MANE Select); 17 bases upstream of the start codon, C replaced by G.
Molecular consequence: 5 prime UTR variant.
Genome position (GRCh38, 1-based): chrX:153,934,921, G>C on the plus strand (C>G on the coding strand, the complement: NAA10 is on the minus strand). VCF-style: chrX-153934921-G-C. GRCh37 (hg19) VCF-style: chrX-153200374-G-C.
Other names: c.-17C>G (NM_001256119.2, NM_001256120.2).
Identifiers: ClinVar variation 3769038 (VCV003769038.1).